The following is an entry in ClinVar:

ClinVar aggregate classification (germline): Uncertain significance (1 of 4 stars; one submission).

Conditions:
TTN-related disorder. Also called: TTN-related disorders; TTN-related condition; TTN-related disease.

gnomAD v4.1: 44 of 1,602,556 alleles (0.0027%); highest among the groups gnomAD compares: Admixed American, 0.005%; no homozygotes.

Submission:

PreventionGenetics, part of Exact Sciences
Classification: Uncertain significance for TTN-related condition. Last evaluated: 2026-07-21. Review status: criteria provided, single submitter. Criteria: ACMG Guidelines, 2015. Collection method: clinical testing. Allele origin: germline.
Comment: The TTN c.96874G>A variant is predicted to result in the amino acid substitution p.Val32292Ile. To our knowledge, this variant has not been reported in the literature. This variant is reported in 0.0058% of alleles in individuals of Latino descent in gnomAD. At this time, the clinical significance of this variant is uncertain due to the absence of conclusive functional and genetic evidence.

NM_001267550.2(TTN):c.96874G>A (p.Val32292Ile)

Genes: TTN (titin; minus strand), TTN-AS1 (TTN antisense RNA 1; plus strand), LOC126806421 (CDK7 strongly-dependent group 2 enhancer GRCh37_chr2:179407630-179408829; plus strand). Cytogenetic location: 2q31.2.
Variant type: single nucleotide variant.
Coding change: c.96874G>A on transcript NM_001267550.2 (MANE Select); coding-DNA position 96874, G replaced by A.
Protein change: p.Val32292Ile; replaces valine 32292 with isoleucine.
Molecular consequence: missense variant.
Genome position (GRCh38, 1-based): chr2:178,543,099, C>T on the plus strand (G>A on the coding strand, the complement: TTN is on the minus strand). VCF-style: chr2-178543099-C-T. GRCh37 (hg19) VCF-style: chr2-179407826-C-T.
Other names: c.91951G>A, p.Val30651Ile (NM_001256850.1); c.69679G>A, p.Val23227Ile (NM_003319.4); c.89170G>A, p.Val29724Ile (NM_133378.4); c.70054G>A, p.Val23352Ile (NM_133432.3); c.70255G>A, p.Val23419Ile (NM_133437.4); short protein forms V23227I, V30651I, V23352I, V23419I, V29724I, V32292I.
Identifiers: ClinVar variation 4990668 (VCV004990668.1).